The following is an entry in ClinVar:

NM_001013838.3(CARMIL2):c.1982T>C (p.Leu661Pro)

Gene: CARMIL2 (capping protein regulator and myosin 1 linker 2; plus strand). Cytogenetic location: 16q22.1.
Variant type: single nucleotide variant.
Coding change: c.1982T>C on transcript NM_001013838.3 (MANE Select); coding-DNA position 1982, T replaced by C.
Protein change: p.Leu661Pro; replaces leucine 661 with proline.
Molecular consequence: missense variant.
Genome position (GRCh38, 1-based): chr16:67,649,868, T>C. VCF-style: chr16-67649868-T-C. GRCh37 (hg19) VCF-style: chr16-67683771-T-C.
Other names: c.1874T>C, p.Leu625Pro (NM_001317026.3); short protein forms L625P, L661P.
Identifiers: ClinVar variation 1298666 (VCV001298666.35), dbSNP rs2142927120, ClinGen allele CA396339472.

ClinVar aggregate classification (germline): Likely pathogenic (1 of 4 stars; one submission).

Allele frequency attached by ClinVar (database versions not stated): gnomAD exomes below 0.00001.

Submission:

CeGaT Center for Human Genetics Tuebingen
Classification: Likely pathogenic. Last evaluated: 2022-04-01. Review status: criteria provided, single submitter. Criteria: CeGaT Center For Human Genetics Tuebingen Variant Classification Criteria Version 2. Collection method: clinical testing. Allele origin: germline. Affected: yes. Observed: 2 variant alleles.
Comment: CARMIL2: PM2, PM3, PP4:Moderate